The following is an entry in ClinVar:

NM_021620.4(PRDM13):c.759G>A (p.Glu253=)

Gene: PRDM13 (PR/SET domain 13; plus strand). Cytogenetic location: 6q16.2.
Variant type: single nucleotide variant.
Coding change: c.759G>A on transcript NM_021620.4 (MANE Select); coding-DNA position 759, G replaced by A.
Protein change: p.Glu253=; no amino-acid change (glutamic acid 253 retained).
Molecular consequence: synonymous variant.
Genome position (GRCh38, 1-based): chr6:99,613,394, G>A. VCF-style: chr6-99613394-G-A. GRCh37 (hg19) VCF-style: chr6-100061270-G-A.
Other names: c.759G>A (NM_021620.3).
Identifiers: ClinVar variation 1114678 (VCV001114678.11), dbSNP rs766392740, ClinGen allele CA3936272.

ClinVar aggregate classification (germline): Likely benign. Review status: criteria provided, multiple submitters, no conflicts (2 of 4 stars). 3 submissions from 3 submitters: Likely benign (3). Last evaluated 2026-03-16.

Conditions:
PRDM13-related disorder. Also called: PRDM13-related condition.

Allele frequency attached by ClinVar (database versions not stated): gnomAD exomes 0.00001 and 0.00003; TOPMed 0.00001; gnomAD 0.00002; ExAC 0.00019.

Submissions (3):

PreventionGenetics, part of Exact Sciences
Classification: Likely benign for PRDM13-related condition. Last evaluated: 2026-03-16. Review status: criteria provided, single submitter. Criteria: ACMG Guidelines, 2015. Collection method: clinical testing. Allele origin: germline.
Comment: This variant is classified as likely benign based on ACMG/AMP sequence variant interpretation guidelines (Richards et al. 2015 PMID: 25741868, with internal and published modifications).

Blueprint Genetics
Classification: Likely benign. Last evaluated: 2022-11-07. Review status: criteria provided, single submitter. Criteria: ACMG Guidelines, 2015. Collection method: clinical testing. Allele origin: germline.

Labcorp Genetics (formerly Invitae), Labcorp
Classification: Likely benign. Last evaluated: 2022-02-05. Review status: criteria provided, single submitter. Criteria: Invitae Variant Classification Sherloc (09022015). Collection method: clinical testing. Allele origin: germline.